The following is an entry in ClinVar:

ClinVar aggregate classification (germline): Uncertain significance (1 of 4 stars; one submission).

gnomAD v4.1: 1 of 1,614,194 alleles (0.000062%); highest among the groups gnomAD compares: African/African-American, 0.0013%; no homozygotes.

Submission:

Labcorp Genetics (formerly Invitae), Labcorp
Classification: Uncertain significance. Last evaluated: 2025-05-14. Review status: criteria provided, single submitter. Criteria: Invitae Variant Classification Sherloc (09022015). Collection method: clinical testing. Allele origin: germline.
Comment: This sequence change replaces aspartic acid, which is acidic and polar, with glycine, which is neutral and non-polar, at codon 48 of the APOA1 protein (p.Asp48Gly). This variant is not present in population databases (gnomAD no frequency). This variant has not been reported in the literature in individuals affected with APOA1-related conditions. ClinVar contains an entry for this variant (Variation ID: 2849555). Invitae Evidence Modeling of protein sequence and biophysical properties (such as structural, functional, and spatial information, amino acid conservation, physicochemical variation, residue mobility, and thermodynamic stability) has been performed for this missense variant. However, the output from this modeling did not meet the statistical confidence thresholds required to predict the impact of this variant on APOA1 protein function. In summary, the available evidence is currently insufficient to determine the role of this variant in disease. Therefore, it has been classified as a Variant of Uncertain Significance.

NM_000039.3(APOA1):c.143A>G (p.Asp48Gly)

Genes: APOA1 (apolipoprotein A1; minus strand), APOA1-AS (APOA1 antisense RNA; plus strand). Cytogenetic location: 11q23.3.
Variant type: single nucleotide variant.
Coding change: c.143A>G on transcript NM_000039.3 (MANE Select); coding-DNA position 143, A replaced by G.
Protein change: p.Asp48Gly; replaces aspartic acid 48 with glycine.
Molecular consequence: missense variant.
Genome position (GRCh38, 1-based): chr11:116,837,058, T>C on the plus strand (A>G on the coding strand, the complement: APOA1 is on the minus strand). VCF-style: chr11-116837058-T-C. GRCh37 (hg19) VCF-style: chr11-116707774-T-C.
Other names: c.143A>G, p.Asp48Gly (NM_001318017.2, NM_001318018.2, NM_001425090.1 and 1 more transcripts); c.-185A>G (NM_001318021.2, NM_001425092.1); short protein forms D48G.
Identifiers: ClinVar variation 2849555 (VCV002849555.3), dbSNP rs1941569247, ClinGen allele CA382719011.